The following is an entry in ClinVar:

NM_138420.4(AHNAK2):c.7599T>A (p.Ile2533=)

Gene: AHNAK2 (AHNAK nucleoprotein 2; minus strand). Cytogenetic location: 14q32.33.
Variant type: single nucleotide variant.
Coding change: c.7599T>A on transcript NM_138420.4 (MANE Select); coding-DNA position 7599, T replaced by A.
Protein change: p.Ile2533=; no amino-acid change (isoleucine 2533 retained).
Molecular consequence: synonymous variant.
Genome position (GRCh38, 1-based): chr14:104,947,852, A>T on the plus strand (T>A on the coding strand, the complement: AHNAK2 is on the minus strand). VCF-style: chr14-104947852-A-T. GRCh37 (hg19) VCF-style: chr14-105414189-A-T.
Other names: c.7299T>A, p.Ile2433= (NM_001350929.2).
Identifiers: ClinVar variation 2644721 (VCV002644721.24), dbSNP rs533925213, ClinGen allele CA7380482.

ClinVar aggregate classification (germline): Likely benign (1 of 4 stars; one submission).

Allele frequency attached by ClinVar (database versions not stated): gnomAD exomes 0.00004; ExAC 0.00009; 1000 Genomes Project 0.00060; 1000 Genomes Project 30x 0.00062.

Submission:

CeGaT Center for Human Genetics Tuebingen
Classification: Likely benign. Last evaluated: 2024-09-01. Review status: criteria provided, single submitter. Criteria: CeGaT Center For Human Genetics Tuebingen Variant Classification Criteria Version 2. Collection method: clinical testing. Allele origin: germline. Affected: yes. Observed: 2 variant alleles.
Comment: AHNAK2: BP4, BP7